The following is an entry in ClinVar:

NM_015057.5(MYCBP2):c.11449G>T (p.Gly3817Cys)

Genes: MYCBP2 (MYC binding protein 2; minus strand), MYCBP2-AS1 (MYCBP2 antisense RNA 1; plus strand). Cytogenetic location: 13q22.3.
Variant type: single nucleotide variant.
Coding change: c.11449G>T on transcript NM_015057.5 (MANE Select); coding-DNA position 11449, G replaced by T.
Protein change: p.Gly3817Cys; replaces glycine 3817 with cysteine.
Molecular consequence: missense variant.
Genome position (GRCh38, 1-based): chr13:77,078,859, C>A on the plus strand (G>T on the coding strand, the complement: MYCBP2 is on the minus strand). VCF-style: chr13-77078859-C-A. GRCh37 (hg19) VCF-style: chr13-77652994-C-A.
Other names: short protein forms G3817C.
Identifiers: ClinVar variation 3369326 (VCV003369326.1).

ClinVar aggregate classification (germline): Uncertain significance (1 of 4 stars; one submission).

gnomAD v4.1: 1 of 1,613,602 alleles (0.000062%); highest among the groups gnomAD compares: Non-Finnish European, 0.000085%; no homozygotes.

Submission:

GeneDx
Classification: Uncertain significance. Last evaluated: 2024-02-14. Review status: criteria provided, single submitter. Criteria: GeneDx Variant Classification Process June 2021. Collection method: clinical testing. Allele origin: germline. Affected: yes.
Comment: Not observed at significant frequency in large population cohorts (gnomAD); In silico analysis supports that this missense variant has a deleterious effect on protein structure/function; Has not been previously published as pathogenic or benign to our knowledge